The following is an entry in ClinVar:

ClinVar aggregate classification (germline): Uncertain significance (1 of 4 stars; one submission).

Submission:

Labcorp Genetics (formerly Invitae), Labcorp
Classification: Uncertain significance. Last evaluated: 2025-06-12. Review status: criteria provided, single submitter. Criteria: Invitae Variant Classification Sherloc (09022015). Collection method: clinical testing. Allele origin: germline.
Comment: This sequence change falls in intron 18 of the SLC4A1 gene. It does not directly change the encoded amino acid sequence of the SLC4A1 protein. Information on the frequency of this variant in the gnomAD database is not available, as this variant may be reported differently in the database. This variant has not been reported in the literature in individuals affected with SLC4A1-related conditions. ClinVar contains an entry for this variant (Variation ID: 1981913). Experimental studies and prediction algorithms are not available or were not evaluated, and the effect of this variant on mRNA splicing is currently unknown. In summary, the available evidence is currently insufficient to determine the role of this variant in disease. Therefore, it has been classified as a Variant of Uncertain Significance.

NM_000342.4(SLC4A1):c.2481+9_2481+10delinsAA

Gene: SLC4A1 (solute carrier family 4 member 1 (Diego blood group); minus strand). Cytogenetic location: 17q21.31.
Variant type: Indel.
Coding change: c.2481+9_2481+10delinsAA on transcript NM_000342.4 (MANE Select); bases 9 to 10 of the intron after coding-DNA position 2481, CC replaced by AA.
Molecular consequence: intron variant.
Genome position (GRCh38, 1-based): chr17:44,251,409-44,251,410, GG replaced by TT on the plus strand (CC replaced by AA on the coding strand, the reverse complement: SLC4A1 is on the minus strand). VCF-style: chr17-44251409-GG-TT. GRCh37 (hg19) VCF-style: chr17-42328777-GG-TT.
Identifiers: ClinVar variation 1981913 (VCV001981913.4), dbSNP rs2509958654, ClinGen allele CA2580093848.